The following is an entry in ClinVar:

NM_003823.4(TNFRSF6B):c.541C>G (p.Leu181Val)

Genes: RTEL1-TNFRSF6B (RTEL1-TNFRSF6B readthrough (NMD candidate); plus strand), TNFRSF6B (TNF receptor superfamily member 6b; plus strand). Cytogenetic location: 20q13.33.
Variant type: single nucleotide variant.
Coding change: c.541C>G on transcript NM_003823.4 (MANE Select); coding-DNA position 541, C replaced by G.
Protein change: p.Leu181Val; replaces leucine 181 with valine.
Molecular consequence: missense variant. On other transcripts: non-coding transcript variant (1).
Genome position (GRCh38, 1-based): chr20:63,697,444, C>G. VCF-style: chr20-63697444-C-G. GRCh37 (hg19) VCF-style: chr20-62328797-C-G.
Other names: short protein forms L181V.
Identifiers: ClinVar variation 4754292 (VCV004754292.1).
Genomic context (GRCh38, chr20:63,697,444, plus strand): 5'-AGCAGCTCCAGCTCAGAGCAGTGCCAGCCCCACCGCAACTGCACGGCCCTGGGCCTGGCC[C>G]TCAATGTGCCAGGCTCTTCCTCCCATGACACCCTGTGCACCAGCTGCACTGGCTTCCCCC-3'
Protein context (NP_003814.1, residues 171-191): HRNCTALGLA[Leu181Val]NVPGSSSHDT

ClinVar aggregate classification (germline): Uncertain significance (1 of 4 stars; one submission).

Submission:

Labcorp Genetics (formerly Invitae), Labcorp
Classification: Uncertain significance. Last evaluated: 2025-05-01. Review status: criteria provided, single submitter. Criteria: Invitae Variant Classification Sherloc (09022015). Collection method: clinical testing. Allele origin: germline.
Comment: This sequence change replaces leucine, which is neutral and non-polar, with valine, which is neutral and non-polar, at codon 181 of the TNFRSF6B protein (p.Leu181Val). This variant is not present in population databases (gnomAD no frequency). This variant has not been reported in the literature in individuals affected with TNFRSF6B-related conditions. An algorithm developed to predict the effect of missense changes on protein structure and function outputs the following: PolyPhen-2: "Benign". The valine amino acid residue is found in multiple mammalian species, which suggests that this missense change does not adversely affect protein function. In summary, the available evidence is currently insufficient to determine the role of this variant in disease. Therefore, it has been classified as a Variant of Uncertain Significance.